The following is an entry in ClinVar:

ClinVar aggregate classification (germline): Uncertain significance (1 of 4 stars; one submission).

Conditions:
Inborn genetic diseases. Identifiers: MedGen C0950123, MeSH D030342.

Submission:

Ambry Genetics
Classification: Uncertain significance for Inborn genetic diseases. Last evaluated: 2024-02-02. Review status: criteria provided, single submitter. Criteria: Ambry Variant Classification Scheme 2023. Collection method: clinical testing. Allele origin: germline.
Comment: The p.Q726H variant (also known as c.2178G>C), located in coding exon 22 of the ERCC2 gene, results from a G to C substitution at nucleotide position 2178. The glutamine at codon 726 is replaced by histidine, an amino acid with highly similar properties. This amino acid position is conserved. In addition, the in silico prediction for this alteration is inconclusive. Based on the available evidence, the clinical significance of this alteration remains unclear.

NM_000400.4(ERCC2):c.2178G>C (p.Gln726His)

Gene: ERCC2 (ERCC excision repair 2, TFIIH core complex helicase subunit; minus strand). Cytogenetic location: 19q13.32.
Variant type: single nucleotide variant.
Coding change: c.2178G>C on transcript NM_000400.4 (MANE Select); coding-DNA position 2178, G replaced by C.
Protein change: p.Gln726His; replaces glutamine 726 with histidine.
Molecular consequence: missense variant.
Genome position (GRCh38, 1-based): chr19:45,352,221, C>G on the plus strand (G>C on the coding strand, the complement: ERCC2 is on the minus strand). VCF-style: chr19-45352221-C-G. GRCh37 (hg19) VCF-style: chr19-45855479-C-G.
Other names: short protein forms Q726H.
Identifiers: ClinVar variation 3231678 (VCV003231678.1), dbSNP rs1971827384, ClinGen allele CA406360909.